The following is an entry in ClinVar:

ClinVar aggregate classification (germline): Pathogenic (1 of 4 stars; one submission).

Conditions:
Infantile neuroaxonal dystrophy (NBIA2A). Also called: NEURODEGENERATION WITH BRAIN IRON ACCUMULATION 2A; SEITELBERGER DISEASE; Infantile neuroaxonal dystrophy 1. Identifiers: Orphanet 35069, MedGen C0270724, MONDO:0024457, OMIM 256600.

Submission:

Labcorp Genetics (formerly Invitae), Labcorp
Classification: Pathogenic for Infantile neuroaxonal dystrophy. Last evaluated: 2023-07-08. Review status: criteria provided, single submitter. Criteria: Invitae Variant Classification Sherloc (09022015). Collection method: clinical testing. Allele origin: germline.
Comment: This variant has not been reported in the literature in individuals affected with PLA2G6-related conditions. For these reasons, this variant has been classified as Pathogenic. This variant is not present in population databases (gnomAD no frequency). This sequence change creates a premature translational stop signal (p.Trp715*) in the PLA2G6 gene. It is expected to result in an absent or disrupted protein product. Loss-of-function variants in PLA2G6 are known to be pathogenic (PMID: 16783378, 18570303, 18799783, 22213678).

Literature cited by the submitters: PubMed 16783378; PubMed 18570303; PubMed 18799783; PubMed 22213678.

NM_003560.4(PLA2G6):c.2144G>A (p.Trp715Ter)

Gene: PLA2G6 (phospholipase A2 group VI; minus strand). Cytogenetic location: 22q13.1.
Variant type: single nucleotide variant.
Coding change: c.2144G>A on transcript NM_003560.4 (MANE Select); coding-DNA position 2144, G replaced by A.
Protein change: p.Trp715Ter; replaces tryptophan 715 with a stop codon.
Molecular consequence: nonsense.
Genome position (GRCh38, 1-based): chr22:38,113,545, C>T on the plus strand (G>A on the coding strand, the complement: PLA2G6 is on the minus strand). VCF-style: chr22-38113545-C-T. GRCh37 (hg19) VCF-style: chr22-38509552-C-T.
Other names: c.1448G>A, p.Trp483Ter (NM_001349869.2); c.1982G>A, p.Trp661Ter (NM_001004426.3, NM_001199562.3, NM_001349865.2 and 1 more transcripts); c.2144G>A, p.Trp715Ter (NM_001349864.2); c.1610G>A, p.Trp537Ter (NM_001349867.2); c.1466G>A, p.Trp489Ter (NM_001349868.2); short protein forms W483*, W489*, W537*, W715*, W661*.
Identifiers: ClinVar variation 2739108 (VCV002739108.3), dbSNP rs2087008432, ClinGen allele CA411523738.